The following is an entry in ClinVar:

ClinVar aggregate classification (germline): Conflicting classifications of pathogenicity. Review status: criteria provided, conflicting classifications (1 of 4 stars). 2 submissions from 2 submitters: Likely pathogenic (1); Uncertain significance (1). Last evaluated 2026-03-05.

Conditions:
Cystic fibrosis (CF). Also called: MUCOVISCIDOSIS. Identifiers: Orphanet 586, MedGen C0010674, MONDO:0009061, OMIM 219700. Disease mechanism: loss of function.

gnomAD v4.1: 4 of 1,611,558 alleles (0.00025%); highest among the groups gnomAD compares: Middle Eastern, 0.017%; no homozygotes.

Submissions (2):

Women's Health and Genetics/Laboratory Corporation of America, LabCorp
Classification: Uncertain significance. Last evaluated: 2026-03-05. Review status: criteria provided, single submitter. Criteria: LabCorp Variant Classification Summary - May 2015. Collection method: clinical testing. Allele origin: germline.
Comment: Variant summary: CFTR c.3161A>G (p.His1054Arg) results in a non-conservative amino acid change in the encoded protein sequence. Algorithms developed to predict the effect of missense changes on protein structure and function all suggest that this variant is likely to be disruptive. The frequency data for this variant in gnomAD is considered unreliable, as metrics indicate poor data quality at this position. c.3161A>G has been observed in individual(s) affected with Cystic Fibrosis (Dayangac-Erden_Acta_2020) without evidence for causality. These report(s) do not provide unequivocal conclusions about association of the variant with Cystic Fibrosis. A different variant affecting the same codon has been classified as likely pathogenic/pathogenic by our lab (c.3160C>G, p.His1054Asp), supporting the critical relevance of codon 1054 to CFTR protein function. To our knowledge, no experimental evidence demonstrating an impact on protein function has been reported. No submitters have cited clinical-significance assessments for this variant to ClinVar. Based on the evidence outlined above, the variant was classified as uncertain significance.

Kariminejad - Najmabadi Pathology & Genetics Center
Classification: Likely pathogenic for Cystic fibrosis. Review status: criteria provided, single submitter. Criteria: ACMG Guidelines, 2015. Collection method: clinical testing. Allele origin: germline. Affected: no.

Literature cited by the submitters: PubMed 25735457 (cited by Women's Health and Genetics/Laboratory Corporation of America, LabCorp).

NM_000492.4(CFTR):c.3161A>G (p.His1054Arg)

Genes: CFTR (CF transmembrane conductance regulator; plus strand), CFTR-AS2 (CFTR antisense RNA 2; minus strand), LOC111674472 (DNase I hypersensitive sites in introns 16 and 17a of CFTR; plus strand). Cytogenetic location: 7q31.2.
Variant type: single nucleotide variant.
Coding change: c.3161A>G on transcript NM_000492.4 (MANE Select); coding-DNA position 3161, A replaced by G.
Protein change: p.His1054Arg; replaces histidine 1054 with arginine.
Molecular consequence: missense variant.
Genome position (GRCh38, 1-based): chr7:117,611,602, A>G. VCF-style: chr7-117611602-A-G. GRCh37 (hg19) VCF-style: chr7-117251656-A-G.
Other names: short protein forms H1054R.
Identifiers: ClinVar variation 4847466 (VCV004847466.2).